The following is an entry in ClinVar:

NM_004260.4(RECQL4):c.2263C>T (p.Arg755Trp)

Gene: RECQL4 (RecQ like helicase 4; minus strand). Cytogenetic location: 8q24.3.
Variant type: single nucleotide variant.
Coding change: c.2263C>T on transcript NM_004260.4 (MANE Select); coding-DNA position 2263, C replaced by T.
Protein change: p.Arg755Trp; replaces arginine 755 with tryptophan.
Molecular consequence: missense variant.
Genome position (GRCh38, 1-based): chr8:144,513,418, G>A on the plus strand (C>T on the coding strand, the complement: RECQL4 is on the minus strand). VCF-style: chr8-144513418-G-A. GRCh37 (hg19) VCF-style: chr8-145738802-G-A.
Other names: short protein forms R755W.
Identifiers: ClinVar variation 850477 (VCV000850477.7), dbSNP rs1269867447, ClinGen allele CA372678459.

ClinVar aggregate classification (germline): Uncertain significance. Review status: criteria provided, multiple submitters, no conflicts (2 of 4 stars). 3 submissions from 3 submitters: Uncertain significance (3). Last evaluated 2025-06-17.

Conditions:
Rothmund-Thomson syndrome type 2 (RTS2). Identifiers: Orphanet 221016, MedGen C5203410, MONDO:0016369, OMIM 268400.
Baller-Gerold syndrome (BGS). Also called: CRANIOSYNOSTOSIS WITH RADIAL DEFECTS. Identifiers: Orphanet 1225, MedGen C0265308, MONDO:0009039, OMIM 218600.

Allele frequency attached by ClinVar (database versions not stated): gnomAD exomes below 0.00001; TOPMed 0.00001.

Submissions (3):

St. Jude Molecular Pathology, St. Jude Children's Research Hospital
Classification: Uncertain significance for Rothmund-Thomson syndrome type 2. Last evaluated: 2025-06-17. Review status: criteria provided, single submitter. Criteria: St. Jude Assertion Criteria 2020. Collection method: clinical testing. Allele origin: germline.
Comment: The RECQL4 c.2263C>T p.(Arg755Trp) missense change has a maximum subpopulation frequency of 0.0009% in gnomAD v2.1.1. In silico tools predict a deleterious effect on protein function, but to our knowledge this prediction has not been confirmed by functional studies. Algorithms that predict the impact of sequence changes on splicing indicate that this change may impact splicing, but internal RNA data suggests no splicing effect. This variant has been reported as compound heterozygous in an individual with RothmundÃ¢ € “Thomson syndrome (PMID: 31829210). In summary, the evidence currently available is insufficient to determine the clinical significance of this variant. It has therefore been classified as of uncertain significance.

Labcorp Genetics (formerly Invitae), Labcorp
Classification: Uncertain significance for Baller-Gerold syndrome. Last evaluated: 2024-01-21. Review status: criteria provided, single submitter. Criteria: Invitae Variant Classification Sherloc (09022015). Collection method: clinical testing. Allele origin: germline.
Comment: This sequence change replaces arginine, which is basic and polar, with tryptophan, which is neutral and slightly polar, at codon 755 of the RECQL4 protein (p.Arg755Trp). The frequency data for this variant in the population databases is considered unreliable, as metrics indicate poor data quality at this position in the gnomAD database. This missense change has been observed in individual(s) with Rothmund-Thomson syndrome (PMID: 31829210). ClinVar contains an entry for this variant (Variation ID: 850477). Advanced modeling of protein sequence and biophysical properties (such as structural, functional, and spatial information, amino acid conservation, physicochemical variation, residue mobility, and thermodynamic stability) performed at Invitae indicates that this missense variant is expected to disrupt RECQL4 protein function with a positive predictive value of 80%. Algorithms developed to predict the effect of sequence changes on RNA splicing suggest that this variant may create or strengthen a splice site. In summary, the available evidence is currently insufficient to determine the role of this variant in disease. Therefore, it has been classified as a Variant of Uncertain Significance.

Blueprint Genetics
Classification: Uncertain significance. Last evaluated: 2018-05-29. Review status: criteria provided, single submitter. Criteria: ACMG Guidelines, 2015. Collection method: clinical testing. Allele origin: germline.

Literature cited by the submitters: PubMed 31829210 (cited by Labcorp Genetics (formerly Invitae), Labcorp).